The following is an entry in ClinVar:

NM_001166114.2(PNPLA6):c.3644G>A (p.Arg1215His)

Gene: PNPLA6 (patatin like domain 6, lysophospholipase; plus strand). Cytogenetic location: 19p13.2.
Variant type: single nucleotide variant.
Coding change: c.3644G>A on transcript NM_001166114.2 (MANE Select); coding-DNA position 3644, G replaced by A.
Protein change: p.Arg1215His; replaces arginine 1215 with histidine.
Molecular consequence: missense variant.
Genome position (GRCh38, 1-based): chr19:7,559,096, G>A. VCF-style: chr19-7559096-G-A. GRCh37 (hg19) VCF-style: chr19-7623982-G-A.
Other names: c.3674G>A, p.Arg1225His (NM_001166111.2); c.3449G>A, p.Arg1150His (NM_001166112.2); c.3530G>A, p.Arg1177His (NM_001166113.1, NM_006702.5); short protein forms R1215H, R1177H, R1225H, R1150H.
Identifiers: ClinVar variation 1898862 (VCV001898862.22), dbSNP rs2512571609, ClinGen allele CA403135698.

ClinVar aggregate classification (germline): Uncertain significance. Review status: criteria provided, multiple submitters, no conflicts (2 of 4 stars). 2 submissions from 2 submitters: Uncertain significance (2). Last evaluated 2024-07-01.

Conditions:
Hereditary spastic paraplegia 39 (SPG39). Also called: Spastic Paraplegia Type 39 (SPG39); SPASTIC PARAPLEGIA 39, AUTOSOMAL RECESSIVE. Identifiers: Orphanet 139480, MedGen C2677586, MONDO:0012787, OMIM 612020.

Allele frequency attached by ClinVar (database versions not stated): gnomAD exomes below 0.00001.
gnomAD v4.1: 2 of 1,614,190 alleles (0.00012%); highest among the groups gnomAD compares: Non-Finnish European, 0.000085%; no homozygotes.

Submissions (2):

CeGaT Center for Human Genetics Tuebingen
Classification: Uncertain significance. Last evaluated: 2024-07-01. Review status: criteria provided, single submitter. Criteria: CeGaT Center For Human Genetics Tuebingen Variant Classification Criteria Version 2. Collection method: clinical testing. Allele origin: germline. Affected: yes. Observed: 1 variant allele.
Comment: PNPLA6: PM2, PP3

Labcorp Genetics (formerly Invitae), Labcorp
Classification: Uncertain significance for Hereditary spastic paraplegia 39. Last evaluated: 2022-07-30. Review status: criteria provided, single submitter. Criteria: Invitae Variant Classification Sherloc (09022015). Collection method: clinical testing. Allele origin: germline.
Comment: In summary, the available evidence is currently insufficient to determine the role of this variant in disease. Therefore, it has been classified as a Variant of Uncertain Significance. This sequence change replaces arginine, which is basic and polar, with histidine, which is basic and polar, at codon 1177 of the PNPLA6 protein (p.Arg1177His). This variant is not present in population databases (gnomAD no frequency). This variant has not been reported in the literature in individuals affected with PNPLA6-related conditions. Algorithms developed to predict the effect of missense changes on protein structure and function (SIFT, PolyPhen-2, Align-GVGD) all suggest that this variant is likely to be disruptive.